The following is an entry in ClinVar:

ClinVar aggregate classification (germline): Pathogenic/Likely pathogenic. Review status: criteria provided, multiple submitters, no conflicts (2 of 4 stars). 3 submissions from 3 submitters: Pathogenic (1); Likely pathogenic (1). 1 of the submissions does not count toward it. Last evaluated 2025-10-13.

Conditions:
Primary hyperoxaluria type 3. Also called: PH III. Identifiers: Orphanet 416, Orphanet 93600, MedGen C3150878, MONDO:0013327, OMIM 613616. Disease mechanism: loss of function.

Submissions (3):

Natera, Inc.
Classification: Likely pathogenic for Primary hyperoxaluria type III. Last evaluated: 2025-10-13. Review status: criteria provided, single submitter. Criteria: Natera Variant Classification Schema (03/2026). Collection method: clinical testing. Allele origin: germline.
Comment: The c.122dupC variant in HOGA1 is a frameshift variant predicted to shift the reading frame beginning at codon 42 and leads to a stop codon 47 codons downstream. This variant is expected to result in nonsense mediated decay, truncation, or a dysfunctional protein product. This variant is rare in the general population with a frequency below the threshold expected for the associated phenotype(s). Given the available evidence, this variant is classified as Likely Pathogenic.

Labcorp Genetics (formerly Invitae), Labcorp
Classification: Pathogenic. Last evaluated: 2023-07-25. Review status: criteria provided, single submitter. Criteria: Invitae Variant Classification Sherloc (09022015). Collection method: clinical testing. Allele origin: germline.
Comment: This sequence change creates a premature translational stop signal (p.Val42Cysfs*47) in the HOGA1 gene. It is expected to result in an absent or disrupted protein product. Loss-of-function variants in HOGA1 are known to be pathogenic (PMID: 22391140, 22781098). This variant is present in population databases (no rsID available, gnomAD 0.0009%). This variant has not been reported in the literature in individuals affected with HOGA1-related conditions. ClinVar contains an entry for this variant (Variation ID: 558178). For these reasons, this variant has been classified as Pathogenic.

Counsyl
Classification: Likely pathogenic for Primary hyperoxaluria type 3. Last evaluated: 2018-05-03. Review status: no assertion criteria provided. Collection method: clinical testing. Allele origin: unknown. Not counted in ClinVar's aggregate classification.

Literature cited by the submitters: PubMed 22391140 (cited by Labcorp Genetics (formerly Invitae), Labcorp); PubMed 22781098 (cited by Labcorp Genetics (formerly Invitae), Labcorp).

NM_138413.4(HOGA1):c.122dup (p.Val42fs)

Gene: HOGA1 (4-hydroxy-2-oxoglutarate aldolase 1; plus strand). Cytogenetic location: 10q24.2.
Variant type: Duplication.
Coding change: c.122dup on transcript NM_138413.4 (MANE Select); coding-DNA position 122, one base duplicated (C; older notation c.122dupC).
Protein change: p.Val42fs; shifts the reading frame from valine 42.
Molecular consequence: frameshift variant.
Genome position (GRCh38, 1-based): chr10:97,584,825, C duplicated; the last of 6 consecutive C bases (chr10:97,584,820-97,584,825); duplicating any one gives the same sequence. VCF-style (leftmost placement, unchanged base first): chr10-97584819-A-AC. GRCh37 (hg19) VCF-style: chr10-99344576-A-AC.
Other names: c.122dupC (NM_138413.3); c.122dup, p.Val42fs (NM_001134670.2); short protein forms V42fs.
Identifiers: ClinVar variation 558178 (VCV000558178.10), dbSNP rs1425736036, ClinGen allele CA595641432.